The following is an entry in ClinVar:

NM_000238.4(KCNH2):c.2127C>T (p.Asn709=)

Gene: KCNH2 (potassium voltage-gated channel subfamily H member 2; minus strand). Cytogenetic location: 7q36.1.
Variant type: single nucleotide variant.
Coding change: c.2127C>T on transcript NM_000238.4 (MANE Select); coding-DNA position 2127, C replaced by T.
Protein change: p.Asn709=; no amino-acid change (asparagine 709 retained).
Molecular consequence: synonymous variant. On other transcripts: non-coding transcript variant (2).
Genome position (GRCh38, 1-based): chr7:150,950,939, G>A on the plus strand (C>T on the coding strand, the complement: KCNH2 is on the minus strand). VCF-style: chr7-150950939-G-A. GRCh37 (hg19) VCF-style: chr7-150648027-G-A.
Other names: p.Asn709=; c.1107C>T, p.Asn369= (NM_001204798.2, NM_172057.3); c.1839C>T, p.Asn613= (NM_001406753.1, NM_001406756.1); c.1950C>T, p.Asn650= (NM_001406755.1); c.1827C>T, p.Asn609= (NM_001406757.1); c.2127C>T, p.Asn709= (NM_172056.3).
Identifiers: ClinVar variation 219615 (VCV000219615.27), dbSNP rs768572372, ClinGen allele CA030668.
Genomic context (GRCh38, chr7:150,950,939, plus strand): 5'-TTCCCAGCCTGCCACCCACTGGCCACGCTCTGGTGGCCTCACCGCGTTCATGTCGATGCC[G>A]TTGGTGTAGGACCAGGCGTGCTGGAAGTACTCCTCGAGGCGCTGGCGCAGGGGATTGGGG-3'
Protein context (NP_000229.1, residues 699-719): EYFQHAWSYT[Asn709=]GIDMNAVLKG

ClinVar aggregate classification (germline): Conflicting classifications of pathogenicity. Review status: criteria provided, conflicting classifications (1 of 4 stars). 7 submissions from 7 submitters: Uncertain significance (1); Benign (1); Likely benign (5). Last evaluated 2025-09-15.

Conditions:
Cardiovascular phenotype. Identifiers: MedGen CN230736.
Long QT syndrome (LQTS). Identifiers: MedGen C0023976, MeSH D008133, MONDO:0002442. Disease mechanism: loss of function. Inheritance: Various modes of inheritance.
Long QT syndrome 2 (LQT2). Identifiers: Orphanet 101016, Orphanet 768, MedGen C3150943, MONDO:0013367, OMIM 613688.
Cardiac arrhythmia. Also called: Cardiac rhythm disease; Arrhythmia. Identifiers: MedGen C0003811, MONDO:0007263, HP:0011675.

Allele frequency attached by ClinVar (database versions not stated): TOPMed 0.00005; gnomAD 0.00006 and 0.00008; gnomAD exomes 0.00009 and 0.00014; ExAC 0.00018.
gnomAD v4.1: 138 of 1,614,082 alleles (0.0085%); highest among the groups gnomAD compares: South Asian, 0.13%; no homozygotes.

Submissions (7):

Labcorp Genetics (formerly Invitae), Labcorp
Classification: Benign for Long QT syndrome. Last evaluated: 2025-09-15. Review status: criteria provided, single submitter. Criteria: Invitae Variant Classification Sherloc (09022015). Collection method: clinical testing. Allele origin: germline.

Mayo Clinic Laboratories, Mayo Clinic
Classification: Likely benign. Last evaluated: 2025-04-22. Review status: criteria provided, single submitter. Criteria: ACMG Guidelines, 2015. Collection method: clinical testing. Allele origin: germline. Observed: 1 variant allele.
Comment: BS1, BP4, BP7

All of Us Research Program, National Institutes of Health
Classification: Likely benign for Long QT syndrome. Last evaluated: 2023-11-30. Review status: criteria provided, single submitter. Criteria: ACMG Guidelines, 2015. Collection method: clinical testing. Allele origin: germline. Inheritance: Autosomal dominant inheritance. Observed: 6 variant alleles, 6 heterozygotes.
Comment: This study involves interpretation of variants in research participants for the purpose of population health screening. Participant phenotype was not available at the time of variant classification. Additional details can be found in publication PMID: 35346344, PMCID: PMC8962531

Blueprint Genetics
Classification: Likely benign. Last evaluated: 2023-01-12. Review status: criteria provided, single submitter. Criteria: ACMG Guidelines, 2015. Collection method: clinical testing. Allele origin: germline.

Color Diagnostics, LLC DBA Color Health
Classification: Likely benign for Arrhythmia. Last evaluated: 2018-06-11. Review status: criteria provided, single submitter. Criteria: ACMG Guidelines, 2015. Collection method: clinical testing. Allele origin: germline.

Illumina Laboratory Services, Illumina
Classification: Uncertain significance for Long QT syndrome 2. Last evaluated: 2018-01-13. Review status: criteria provided, single submitter. Criteria: ICSL Variant Classification Criteria 13 December 2019. Collection method: clinical testing. Allele origin: germline.

Ambry Genetics
Classification: Likely benign for Cardiovascular phenotype. Last evaluated: 2017-11-03. Review status: criteria provided, single submitter. Criteria: Ambry Variant Classification Scheme 2023. Collection method: clinical testing. Allele origin: germline.